The following is an entry in ClinVar:

NM_000091.5(COL4A3):c.289G>A (p.Gly97Arg)

Genes: COL4A3 (collagen type IV alpha 3 chain; plus strand), MFF-DT (MFF divergent transcript; minus strand). Cytogenetic location: 2q36.3.
Variant type: single nucleotide variant.
Coding change: c.289G>A on transcript NM_000091.5 (MANE Select); coding-DNA position 289, G replaced by A.
Protein change: p.Gly97Arg; replaces glycine 97 with arginine.
Molecular consequence: missense variant.
Genome position (GRCh38, 1-based): chr2:227,244,960, G>A. VCF-style: chr2-227244960-G-A. GRCh37 (hg19) VCF-style: chr2-228109676-G-A.
Other names: short protein forms G97R.
Identifiers: ClinVar variation 3764800 (VCV003764800.3).

ClinVar aggregate classification (germline): Likely pathogenic. Review status: criteria provided, multiple submitters, no conflicts (2 of 4 stars). 3 submissions from 3 submitters: Likely pathogenic (3). Last evaluated 2025-08-20.

Conditions:
COL4A3-related disorder. Also called: COL4A3-related condition; COL4A3-Related Disorders.
Alport syndrome. Also called: Hemorrhagic familial nephritis; Hemorrhagic hereditary nephritis; Congenital hereditary hematuria. Identifiers: Orphanet 63, MedGen C1567741, MONDO:0018965.
Autosomal dominant Alport syndrome (ATS3A). Also called: ALPORT SYNDROME 3A, AUTOSOMAL DOMINANT; Alport syndrome dominant type; Renal failure and sensorineural hearing loss. Identifiers: Orphanet 63, Orphanet 88918, MedGen C5882663, MONDO:0007086, OMIM 104200.

gnomAD v4.1: 2 of 1,612,564 alleles (0.00012%); highest among the groups gnomAD compares: Non-Finnish European, 0.00017%; no homozygotes.

Submissions (3):

Natera, Inc.
Classification: Likely pathogenic for Alport syndrome. Last evaluated: 2025-08-20. Review status: criteria provided, single submitter. Criteria: Natera Variant Classification Schema (03/2026). Collection method: clinical testing. Allele origin: germline.
Comment: The c.289G>A variant in COL4A3 is a missense variant predicted to cause substitution of glycine to arginine at amino acid 97. This variant is rare in the general population with a frequency below the threshold expected for the associated phenotype(s). This variant is located in a functionally critical region of the protein. Computational prediction algorithms indicate this variant is likely to affect gene or protein function. Given the available evidence, this variant is classified as Likely Pathogenic.

MVZ Medizinische Genetik Mainz
Classification: Likely pathogenic for Autosomal dominant Alport syndrome. Last evaluated: 2025-02-11. Review status: criteria provided, single submitter. Criteria: UK Practice Guidelines For Variant Classification V4 01 2020. Collection method: clinical testing. Allele origin: germline. Inheritance: Autosomal dominant inheritance. Affected: yes. Observed: 1 variant allele.
Comment: ACMG Criteria: PM1_STR,PM2_SUP,PP3

Blueprint Genetics
Classification: Likely pathogenic for COL4A3-related disorders. Last evaluated: 2024-04-30. Review status: criteria provided, single submitter. Criteria: ACMG Guidelines, 2015. Collection method: clinical testing. Allele origin: germline. Affected: yes. Observed: 2 variant alleles.